The following is an entry in ClinVar:

ClinVar aggregate classification (germline): Uncertain significance (1 of 4 stars; one submission).

Conditions:
Congenital disorder of glycosylation type Ir (CDG1R). Also called: DDOST-congenital disorder of glycosylation. Identifiers: Orphanet 300536, MedGen C3281084, MONDO:0013789, OMIM 614507.

Allele frequency attached by ClinVar (database versions not stated): ExAC 0.00006; gnomAD 0.00007; TOPMed 0.00007; ESP Exome Variant Server 0.00008; gnomAD exomes 0.00019.
gnomAD v4.1: 309 of 1,614,066 alleles (0.019%); highest among the groups gnomAD compares: Non-Finnish European, 0.024%; no homozygotes.

Submission:

Labcorp Genetics (formerly Invitae), Labcorp
Classification: Uncertain significance for Congenital disorder of glycosylation type Ir. Last evaluated: 2025-04-12. Review status: criteria provided, single submitter. Criteria: Invitae Variant Classification Sherloc (09022015). Collection method: clinical testing. Allele origin: germline.
Comment: This sequence change replaces isoleucine, which is neutral and non-polar, with threonine, which is neutral and polar, at codon 157 of the DDOST protein (p.Ile157Thr). This variant is present in population databases (rs376317784, gnomAD 0.02%). This variant has not been reported in the literature in individuals affected with DDOST-related conditions. ClinVar contains an entry for this variant (Variation ID: 2069203). Invitae Evidence Modeling of protein sequence and biophysical properties (such as structural, functional, and spatial information, amino acid conservation, physicochemical variation, residue mobility, and thermodynamic stability) has been performed for this missense variant. However, the output from this modeling did not meet the statistical confidence thresholds required to predict the impact of this variant on DDOST protein function. In summary, the available evidence is currently insufficient to determine the role of this variant in disease. Therefore, it has been classified as a Variant of Uncertain Significance.

NM_005216.5(DDOST):c.419T>C (p.Ile140Thr)

Gene: DDOST (dolichyl-diphosphooligosaccharide--protein glycosyltransferase non-catalytic subunit; minus strand). Cytogenetic location: 1p36.12.
Variant type: single nucleotide variant.
Coding change: c.419T>C on transcript NM_005216.5 (MANE Select); coding-DNA position 419, T replaced by C.
Protein change: p.Ile140Thr; replaces isoleucine 140 with threonine.
Molecular consequence: missense variant.
Genome position (GRCh38, 1-based): chr1:20,655,713, A>G on the plus strand (T>C on the coding strand, the complement: DDOST is on the minus strand). VCF-style: chr1-20655713-A-G. GRCh37 (hg19) VCF-style: chr1-20982206-A-G.
Other names: short protein forms I140T.
Identifiers: ClinVar variation 2069203 (VCV002069203.4), dbSNP rs376317784, ClinGen allele CA661243.